The following is an entry in ClinVar:

NM_001145809.2(MYH14):c.5573G>A (p.Arg1858His)

Gene: MYH14 (myosin heavy chain 14; plus strand). Cytogenetic location: 19q13.33.
Variant type: single nucleotide variant.
Coding change: c.5573G>A on transcript NM_001145809.2 (MANE Select); coding-DNA position 5573, G replaced by A.
Protein change: p.Arg1858His; replaces arginine 1858 with histidine.
Molecular consequence: missense variant.
Genome position (GRCh38, 1-based): chr19:50,301,764, G>A. VCF-style: chr19-50301764-G-A. GRCh37 (hg19) VCF-style: chr19-50805021-G-A.
Other names: c.5474G>A, p.Arg1825His (NM_001077186.2); c.5450G>A, p.Arg1817His (NM_024729.4); short protein forms R1858H, R1817H, R1825H.
Identifiers: ClinVar variation 227580 (VCV000227580.30), dbSNP rs11882073, ClinGen allele CA9593850.

ClinVar aggregate classification (germline): Conflicting classifications of pathogenicity. Review status: criteria provided, conflicting classifications (1 of 4 stars). 8 submissions from 8 submitters: Uncertain significance (1); Benign (2); Likely benign (5). Last evaluated 2025-12-17.

Conditions:
Inborn genetic diseases. Identifiers: MedGen C0950123, MeSH D030342.

Allele frequency attached by ClinVar (database versions not stated): ExAC 0.00052; gnomAD 0.00137; TOPMed 0.00139; ESP Exome Variant Server 0.00215; 1000 Genomes Project 30x 0.00297; 1000 Genomes Project 0.00300.
gnomAD v4.1: 477 of 1,613,918 alleles (0.03%); highest among the groups gnomAD compares: African/African-American, 0.47%; 5 homozygotes.

Submissions (8):

Labcorp Genetics (formerly Invitae), Labcorp
Classification: Benign. Last evaluated: 2025-12-17. Review status: criteria provided, single submitter. Criteria: Invitae Variant Classification Sherloc (09022015). Collection method: clinical testing. Allele origin: germline.

Ambry Genetics
Classification: Uncertain significance for Inborn genetic diseases. Last evaluated: 2025-08-20. Review status: criteria provided, single submitter. Criteria: Ambry Variant Classification Scheme 2023. Collection method: clinical testing. Allele origin: germline.

Blueprint Genetics
Classification: Likely benign. Last evaluated: 2024-11-25. Review status: criteria provided, single submitter. Criteria: ACMG Guidelines, 2015. Collection method: clinical testing. Allele origin: germline.

ARUP Laboratories, Molecular Genetics and Genomics, ARUP Laboratories
Classification: Likely benign. Last evaluated: 2023-09-13. Review status: criteria provided, single submitter. Criteria: ARUP Molecular Germline Variant Investigation Process 2024. Collection method: clinical testing. Allele origin: germline.

GeneDx
Classification: Likely benign. Last evaluated: 2021-01-22. Review status: criteria provided, single submitter. Criteria: GeneDx Variant Classification Process June 2021. Collection method: clinical testing. Allele origin: germline. Affected: yes.

Eurofins Ntd Llc (ga)
Classification: Benign. Last evaluated: 2016-05-03. Review status: criteria provided, single submitter. Criteria: EGL Classification Definitions 2015. Collection method: clinical testing. Allele origin: germline. Observed: 1 variant allele, 1 heterozygote.

Laboratory for Molecular Medicine, Mass General Brigham Personalized Medicine
Classification: Likely benign. Last evaluated: 2015-05-26. Review status: criteria provided, single submitter. Criteria: LMM Criteria. Collection method: clinical testing. Allele origin: germline. Observed: 1 variant allele.
Comment: p.Arg1858His in exon 40 of MYH14: This variant is not expected to have clinical significance because it has been identified in 0.5% (52/9586) of African chromos omes by the Exome Aggregation Consortium (ExAC; dbSNP rs11882073).

PreventionGenetics, part of Exact Sciences
Classification: Likely benign. Review status: criteria provided, single submitter. Criteria: ACMG Guidelines, 2015. Collection method: clinical testing. Allele origin: germline.